The following is an entry in ClinVar:

ClinVar aggregate classification (germline): Pathogenic. Review status: criteria provided, multiple submitters, no conflicts (2 of 4 stars). 18 submissions from 18 submitters: Pathogenic (16). 2 of the submissions do not count toward it. Last evaluated 2025-11-14.

Conditions:
SCN1A-related disorder. Also called: SCN1A-related disorders; SCN1A-related conditions; SCN1A-related condition.
Early-infantile DEE. Also called: Ohtahara syndrome; Early infantile epileptic encephalopathy with suppression bursts; Early infantile epileptic encephalopathy. Identifiers: Orphanet 1934, MedGen C0393706, MONDO:0800491.
Autosomal dominant epilepsy.
Inborn genetic diseases. Identifiers: MedGen C0950123, MeSH D030342.
Generalized epilepsy with febrile seizures plus, type 2 (GEFSP2). Also called: GEFS+, TYPE 2. Identifiers: Orphanet 36387, MedGen C1858673, MONDO:0011461, OMIM 604403.
Developmental and epileptic encephalopathy, 1 (DEE1). Also called: INFANTILE SPASM SYNDROME, X-LINKED 1; X-linked infantile spasms; West's syndrome; Tonic spasms with clustering, arrest of psychomotor development and hypsarrhythmia on EEG; X-Linked Infantile Spasm Syndrome; OHTAHARA SYNDROME, X-LINKED. Identifiers: MedGen C3463992, MONDO:0010632, OMIM 308350. Disease mechanism: loss of function.
Severe myoclonic epilepsy in infancy (DRVT). Also called: SEVERE MYOCLONIC EPILEPSY OF INFANCY; DEVELOPMENTAL AND EPILEPTIC ENCEPHALOPATHY 6A; Severe Myoclonic Epilepsy in Infancy (SMEI); Dravet syndrome; Epileptic encephalopathy, early infantile, 6 (Dravet syndrome). Identifiers: Orphanet 33069, MedGen C0751122, MONDO:0100135, OMIM 607208.

Allele frequency attached by ClinVar (database versions not stated): TOPMed below 0.00001.

Submissions 1 to 13 of 18:

Labcorp Genetics (formerly Invitae), Labcorp
Classification: Pathogenic for Early-infantile DEE. Last evaluated: 2025-11-14. Review status: criteria provided, single submitter. Criteria: Invitae Variant Classification Sherloc (09022015). Collection method: clinical testing. Allele origin: germline.
Comment: This sequence change creates a premature translational stop signal (p.Arg712*) in the SCN1A gene. It is expected to result in an absent or disrupted protein product. Loss-of-function variants in SCN1A are known to be pathogenic (PMID: 17347258, 18930999). This variant is not present in population databases (gnomAD no frequency). This premature translational stop signal has been observed in individual(s) with epileptic encephalopathy and Dravet syndrome (PMID: 11940708, 12083760, 18804930, 23195492, 23808377, 26544041). In at least one individual the variant was observed to be de novo. ClinVar contains an entry for this variant (Variation ID: 189886). For these reasons, this variant has been classified as Pathogenic.

3billion
Classification: Pathogenic for SCN1A-related disorder. Last evaluated: 2025-09-30. Review status: criteria provided, single submitter. Criteria: ACMG Guidelines, 2015. Collection method: clinical testing. Allele origin: germline. Affected: yes.
Comment: The variant is not observed in the gnomAD v4.1.0 dataset. Predicted Consequence/Location: Stop-gained (nonsense): predicted to result in a loss or disruption of normal protein function through nonsense-mediated decay (NMD) or protein truncation. Multiple pathogenic variants are reported downstream of the variant. The variant has been reported at least twice as pathogenic with clinical assertions and evidence for the classification (ClinVar ID: VCV000189886 /PMID: 11940708). Therefore, this variant is classified as Pathogenic according to the recommendation of ACMG/AMP guideline.

GeneDx
Classification: Pathogenic. Last evaluated: 2025-09-23. Review status: criteria provided, single submitter. Criteria: GeneDx Variant Classification Process June 2021. Collection method: clinical testing. Allele origin: germline. Affected: yes.
Comment: Not observed at significant frequency in large population cohorts (gnomAD); Nonsense variant predicted to result in protein truncation or nonsense mediated decay in a gene for which loss of function is a known mechanism of disease; This variant is associated with the following publications: (PMID: 16458823, 22151702, 18930999, 32056211, 23195492, 23808377, 20522430, 25525159, 26096185, 26188943, 25754450, 19585586, 28079314, 28387369, 29100083, 30641252, 29933521, 11940708, 31864146, 32090326, 32139178, 34489640, 34163418, 34055682, 32651551, 31031587, 35074891, 35886038, 35253369, 35571373, 34992632, 36403551, 37329172, 34926809, 38785537, 39299018, 12837571)

Genomic Medicine Center of Excellence, King Faisal Specialist Hospital and Research Centre
Classification: Pathogenic for Severe myoclonic epilepsy in infancy. Last evaluated: 2024-03-25. Review status: criteria provided, single submitter. Criteria: ACMG Guidelines, 2015. Collection method: clinical testing. Allele origin: germline.

Institute of Human Genetics, University of Leipzig Medical Center
Classification: Pathogenic for Severe myoclonic epilepsy in infancy. Last evaluated: 2023-05-03. Review status: criteria provided, single submitter. Criteria: ACMG Guidelines, 2015. Collection method: clinical testing. Allele origin: unknown. Affected: yes.
Comment: Criteria applied: PVS1,PS4_MOD,PM2_SUP

Athena Diagnostics
Classification: Pathogenic. Last evaluated: 2023-03-30. Review status: criteria provided, single submitter. Criteria: Athena Diagnostics Criteria. Collection method: clinical testing. Allele origin: unknown.
Comment: This variant has been identified in multiple unrelated individuals with Dravet syndrome and severe myoclonic epilepsy of infancy (SMEI) and has been confirmed to occur de novo in multiple individuals. This variant has not been reported in large, multi-ethnic general populations. In some published literature, this variant is referred to as R701X.

CeGaT Center for Human Genetics Tuebingen
Classification: Pathogenic. Last evaluated: 2023-01-01. Review status: criteria provided, single submitter. Criteria: CeGaT Center For Human Genetics Tuebingen Variant Classification Criteria Version 2. Collection method: clinical testing. Allele origin: germline. Affected: yes. Observed: 4 variant alleles.
Comment: SCN1A: PS2:Very Strong, PVS1, PM2, PS4:Moderate

Revvity Omics, Revvity
Classification: Pathogenic. Last evaluated: 2022-03-17. Review status: criteria provided, single submitter. Criteria: ACMG Guidelines, 2015. Collection method: clinical testing. Allele origin: germline.

Women's Health and Genetics/Laboratory Corporation of America, LabCorp
Classification: Pathogenic. Last evaluated: 2022-01-14. Review status: criteria provided, single submitter. Criteria: LabCorp Variant Classification Summary - May 2015. Collection method: clinical testing. Allele origin: germline.
Comment: Variant summary: SCN1A c.2134C>T (p.Arg712X) results in a premature termination codon, predicted to cause a truncation of the encoded protein or absence of the protein due to nonsense mediated decay, which are commonly known mechanisms for disease. Truncations downstream of this position have been classified as pathogenic by our laboratory. The variant was absent in 251266 control chromosomes. c.2134C>T has been reported in the literature in individuals with Dravet syndrome in the de novo state (eg. Wang_2012), and in patients with epileptic encephalopathy (eg Sugawara_2002, Ohimori_2002). Four clinical diagnostic laboratories have submitted clinical-significance assessments for this variant to ClinVar after 2014 without evidence for independent evaluation. All laboratories classified the variant as pathogenic. Based on the evidence outlined above, the variant was classified as pathogenic.

Blueprint Genetics
Classification: Pathogenic for SCN1A-related disorders. Last evaluated: 2021-12-23. Review status: criteria provided, single submitter. Criteria: ACMG Guidelines, 2015. Collection method: clinical testing. Allele origin: germline. Affected: yes. Observed: 1 variant allele.

Ambry Genetics
Classification: Pathogenic for Inborn genetic diseases. Last evaluated: 2021-02-01. Review status: criteria provided, single submitter. Criteria: Ambry Variant Classification Scheme 2023. Collection method: clinical testing. Allele origin: germline.
Comment: The c.2134C>T (p.R712*) alteration, located in exon 12 (coding exon 12) of the SCN1A gene, consists of a C to T substitution at nucleotide position 2134. This changes the amino acid from an arginine (R) to a stop codon at amino acid position 712. Based on data from the Genome Aggregation Database (gnomAD), the SCN1A c.2134C>T alteration was not observed, with coverage at this position. This mutation has been detected in several individuals, in some cases as de novo occurrences, with Dravet syndrome, epileptic encephalopathy, severe intellectual disability, and non specific neurodevelopmental disorders (Gaily, 2013; Zhang, 2015; Do, 2017; Arafat, 2017; Hamdan, 2017; Froukh, 2020). The p.R712* alteration is predicted to be deleterious by in silico analysis. Based on the available evidence, this alteration is classified as pathogenic.

Center for Bioinformatics, Peking University
Classification: Pathogenic for Dravet syndrome. Last evaluated: 2014-12-20. Review status: criteria provided, single submitter. Criteria: Xu et al. (Hum Mutat. 2015). Collection method: research. Allele origin: de novo. Affected: yes. Observed: 4 variant alleles. Study: University Clinical Cooperation “985 Project” PKU-2014-1-1.
Comment: Dravet syndrome (DS) probands were recruited from the outpatient and inpatient child neurology units of Peking University First Hospital from 2005 till present. The study was approved by the Ethics Committee of Peking University First Hospital and the Institutional Review Board at Peking University. Participants or their parents provided written informed consent before enrollment. We collected a total of 267 mutations from 255 families with probands diagnosed with DS in China. All probands fulfilled the clinical diagnostic criteria.

Eurofins Ntd Llc (ga)
Classification: Pathogenic. Last evaluated: 2014-07-31. Review status: criteria provided, single submitter. Criteria: EGL Classification Definitions 2015. Collection method: clinical testing. Allele origin: germline. Observed: 1 variant allele, 1 heterozygote.

NM_001165963.4(SCN1A):c.2134C>T (p.Arg712Ter)

Gene: SCN1A (sodium voltage-gated channel alpha subunit 1; minus strand). Cytogenetic location: 2q24.3.
Variant type: single nucleotide variant.
Coding change: c.2134C>T on transcript NM_001165963.4 (MANE Select); coding-DNA position 2134, C replaced by T.
Protein change: p.Arg712Ter; replaces arginine 712 with a stop codon.
Molecular consequence: nonsense. On other transcripts: 5 prime UTR variant (1), non-coding transcript variant (1).
Genome position (GRCh38, 1-based): chr2:166,042,334, G>A on the plus strand (C>T on the coding strand, the complement: SCN1A is on the minus strand). VCF-style: chr2-166042334-G-A. GRCh37 (hg19) VCF-style: chr2-166898844-G-A.
Other names: p.R712*:CGA>TGA; c.2050C>T, p.Arg684Ter (NM_001165964.3, NM_001353957.2, NM_001353958.2); c.2134C>T, p.Arg712Ter (NM_001202435.3, NM_001353948.2); c.2101C>T, p.Arg701Ter (NM_001353949.2, NM_001353950.2, NM_001353951.2 and 2 more transcripts); c.2098C>T, p.Arg700Ter (NM_001353954.2, NM_001353955.2); c.2047C>T, p.Arg683Ter (NM_001353960.2); c.-325C>T (NM_001353961.2); c.2134C>T (NM_001202435.1); short protein forms R701*, R712*, R683*, R700*, R684*.
Identifiers: ClinVar variation 189886 (VCV000189886.67), dbSNP rs794726730, ClinGen allele CA274966.